The following is an entry in ClinVar:

ClinVar aggregate classification (germline): Pathogenic/Likely pathogenic. Review status: criteria provided, multiple submitters, no conflicts (2 of 4 stars). 3 submissions from 3 submitters: Pathogenic (2); Likely pathogenic (1). Last evaluated 2026-03-09.

Conditions:
Birt-Hogg-Dube syndrome. Also called: Birt Hogg Dubé syndrome. Identifiers: Orphanet 122, MedGen C0346010, MONDO:0800444.
Multiple monogenic benign skin tumours.

Submissions (3):

Genetics Laboratory, Great Ormond Street Hospital NHS Foundation Trust, North Thames Genomic Laboratory Hub
Classification: Pathogenic for Multiple monogenic benign skin tumours. Last evaluated: 2026-03-09. Review status: criteria provided, single submitter. Criteria: ACGS Best Practice Guidelines for Variant Classification in Rare Disease 2024 v1.2. Collection method: clinical testing. Allele origin: germline. Affected: yes.
Comment: PM2_supporting, PVS1_very-strong, PP4_supporting

Quest Diagnostics Nichols Institute San Juan Capistrano
Classification: Likely pathogenic. Last evaluated: 2024-06-18. Review status: criteria provided, single submitter. Criteria: Quest Diagnostics criteria. Collection method: clinical testing. Allele origin: unknown.
Comment: The FLCN c.1440del (p.Thr481Profs*3) variant alters the translational reading frame of the FLCN mRNA and is predicted to cause the premature termination of FLCN protein synthesis. This variant has not been reported in individuals with FLCN-related conditions in the published literature. This variant has not been reported in large, multi-ethnic general populations (Genome Aggregation Database). Based on the available information, this variant is classified as likely pathogenic.

Labcorp Genetics (formerly Invitae), Labcorp
Classification: Pathogenic for Birt-Hogg-Dube syndrome. Last evaluated: 2018-08-25. Review status: criteria provided, single submitter. Criteria: Invitae Variant Classification Sherloc (09022015). Collection method: clinical testing. Allele origin: germline.
Comment: This sequence change creates a premature translational stop signal (p.Thr481Profs*3) in the FLCN gene. It is expected to result in an absent or disrupted protein product. This variant is not present in population databases (ExAC no frequency). This variant has not been reported in the literature in individuals with FLCN-related disease. Loss-of-function variants in FLCN are known to be pathogenic (PMID: 15852235). For these reasons, this variant has been classified as Pathogenic.

Literature cited by the submitters: PubMed 15852235 (cited by Labcorp Genetics (formerly Invitae), Labcorp).

NM_144997.7(FLCN):c.1440del (p.Thr481fs)

Gene: FLCN (folliculin; minus strand). Cytogenetic location: 17p11.2.
Variant type: Deletion.
Coding change: c.1440del on transcript NM_144997.7 (MANE Select); coding-DNA position 1440, one base deleted (C; older notation c.1440delC).
Protein change: p.Thr481fs; shifts the reading frame from threonine 481.
Molecular consequence: frameshift variant.
Genome position (GRCh38, 1-based): chr17:17,215,083, G deleted on the plus strand (C on the coding strand, the reverse complement: FLCN is on the minus strand); the first of 4 consecutive G bases (chr17:17,215,083-17,215,086); deleting any one gives the same sequence. VCF-style (leftmost placement, unchanged base first): chr17-17215082-TG-T. GRCh37 (hg19) VCF-style: chr17-17118396-TG-T.
Other names: c.1440delC (NM_144997.5); c.1440del (NM_144997.6); c.1494del, p.Thr499fs (NM_001353229.2); c.1440del, p.Thr481fs (NM_001353230.2, NM_001353231.2); short protein forms T499fs, T481fs.
Identifiers: ClinVar variation 664632 (VCV000664632.8), dbSNP rs1597579055, ClinGen allele CA498421170.